The following is an entry in ClinVar:

NM_033124.5(DRC2):c.184A>G (p.Asn62Asp)

Gene: DRC2 (dynein regulatory complex subunit 2; plus strand). Cytogenetic location: 12q13.12.
Variant type: single nucleotide variant.
Coding change: c.184A>G on transcript NM_033124.5 (MANE Select); coding-DNA position 184, A replaced by G.
Protein change: p.Asn62Asp; replaces asparagine 62 with aspartic acid.
Molecular consequence: missense variant. On other transcripts: 5 prime UTR variant (1).
Genome position (GRCh38, 1-based): chr12:48,904,997, A>G. VCF-style: chr12-48904997-A-G. GRCh37 (hg19) VCF-style: chr12-49298780-A-G.
Other names: c.-246A>G (NM_001286957.2); short protein forms N62D.
Identifiers: ClinVar variation 648266 (VCV000648266.10), dbSNP rs118071072, ClinGen allele CA6543174.
Genomic context (GRCh38, chr12:48,904,997, plus strand): 5'-TTCACACAGGACAAGCTGGCCAAGGAGGAACACAACAGTGCTCTGAACCTTAATAAGATT[A>G]ACACACAGTGGAGAACTGTCCTTCGGGAAGTCAAGACCAGAGAACTTCATAAGGACATTG-3'
Protein context (NP_149115.2, residues 52-72): HNSALNLNKI[Asn62Asp]TQWRTVLREV

ClinVar aggregate classification (germline): Uncertain significance. Review status: criteria provided, multiple submitters, no conflicts (2 of 4 stars). 3 submissions from 3 submitters: Uncertain significance (3). Last evaluated 2024-09-25.

Conditions:
Inborn genetic diseases. Identifiers: MedGen C0950123, MeSH D030342.
Primary ciliary dyskinesia 27. Also called: CILIARY DYSKINESIA, PRIMARY, 27, WITHOUT SITUS INVERSUS. Identifiers: Orphanet 244, MedGen C3809701, MONDO:0014215, OMIM 615504.

Allele frequency attached by ClinVar (database versions not stated): ExAC 0.00001; gnomAD exomes 0.00001; gnomAD 0.00004; TOPMed 0.00008.
gnomAD v4.1: 14 of 1,613,826 alleles (0.00087%); highest among the groups gnomAD compares: African/African-American, 0.019%; no homozygotes.

Submissions (3):

Ambry Genetics
Classification: Uncertain significance for Inborn genetic diseases. Last evaluated: 2024-09-25. Review status: criteria provided, single submitter. Criteria: Ambry Variant Classification Scheme 2023. Collection method: clinical testing. Allele origin: germline.

Labcorp Genetics (formerly Invitae), Labcorp
Classification: Uncertain significance for Primary ciliary dyskinesia 27. Last evaluated: 2021-08-24. Review status: criteria provided, single submitter. Criteria: Invitae Variant Classification Sherloc (09022015). Collection method: clinical testing. Allele origin: germline.
Comment: This sequence change replaces asparagine with aspartic acid at codon 62 of the CCDC65 protein (p.Asn62Asp). The asparagine residue is highly conserved and there is a small physicochemical difference between asparagine and aspartic acid. This variant is present in population databases (rs118071072, ExAC 0.01%). This variant has not been reported in the literature in individuals affected with CCDC65-related conditions. Algorithms developed to predict the effect of missense changes on protein structure and function are either unavailable or do not agree on the potential impact of this missense change (SIFT: "Tolerated"; PolyPhen-2: "Probably Damaging"; Align-GVGD: "Class C0"). In summary, the available evidence is currently insufficient to determine the role of this variant in disease. Therefore, it has been classified as a Variant of Uncertain Significance.

Baylor Genetics
Classification: Uncertain significance for Primary ciliary dyskinesia 27. Last evaluated: 2018-05-11. Review status: criteria provided, single submitter. Criteria: ACMG Guidelines, 2015. Collection method: clinical testing. Allele origin: unknown. Affected: yes.
Comment: This variant was determined to be of uncertain significance according to ACMG Guidelines, 2015 [PMID:25741868].